The following is an entry in ClinVar:

NM_000051.4(ATM):c.5918+5T>G

Genes: ATM (ATM serine/threonine kinase; plus strand), C11orf65 (chromosome 11 open reading frame 65; minus strand). Cytogenetic location: 11q22.3.
Variant type: single nucleotide variant.
Coding change: c.5918+5T>G on transcript NM_000051.4 (MANE Select); 5 bases into the intron after coding-DNA position 5918, T replaced by G.
Molecular consequence: intron variant.
Genome position (GRCh38, 1-based): chr11:108,310,320, T>G. VCF-style: chr11-108310320-T-G. GRCh37 (hg19) VCF-style: chr11-108181047-T-G.
Other names: c.5918+5T>G (NM_001351834.2); c.641-1249A>C (NM_001330368.2); c.*39-1249A>C (NM_001351110.2).
Identifiers: ClinVar variation 1750472 (VCV001750472.2), dbSNP rs2136019938, ClinGen allele CA2580082977.

ClinVar aggregate classification (germline): Uncertain significance (1 of 4 stars; one submission).

Conditions:
Hereditary cancer-predisposing syndrome. Also called: Hereditary neoplastic syndrome; Neoplastic Syndromes, Hereditary; Tumor predisposition; Hereditary Cancer Syndrome. Identifiers: Orphanet 140162, MedGen C0027672, MeSH D009386, MONDO:0015356.

Submission:

Ambry Genetics
Classification: Uncertain significance for Hereditary cancer-predisposing syndrome. Last evaluated: 2022-07-20. Review status: criteria provided, single submitter. Criteria: Ambry Variant Classification Scheme 2023. Collection method: clinical testing. Allele origin: germline.
Comment: The c.5918+5T>G intronic variant results from a T to G substitution 5 nucleotides after coding exon 38 in the ATM gene. This nucleotide position is well conserved in available vertebrate species. In silico splice site analysis predicts that this alteration will not have any significant effect on splicing. Since supporting evidence is limited at this time, the clinical significance of this alteration remains unclear.